The following is an entry in ClinVar:

NM_000466.3(PEX1):c.1803+2T>C

Gene: PEX1 (peroxisomal biogenesis factor 1; minus strand). Cytogenetic location: 7q21.2.
Variant type: single nucleotide variant.
Coding change: c.1803+2T>C on transcript NM_000466.3 (MANE Select); the canonical splice donor site of the intron after coding-DNA position 1803, T replaced by C.
Molecular consequence: splice donor variant.
Genome position (GRCh38, 1-based): chr7:92,506,992, A>G on the plus strand (T>C on the coding strand, the complement: PEX1 is on the minus strand). VCF-style: chr7-92506992-A-G. GRCh37 (hg19) VCF-style: chr7-92136306-A-G.
Other names: c.1803+2T>C (NM_001282677.2); c.1179+2T>C (NM_001282678.2).
Identifiers: ClinVar variation 4818384 (VCV004818384.1).
Genomic context (GRCh38, chr7:92,506,992, plus strand): 5'-AAGAAAGATAAATGAAAAGTTATTAAATGTTACAGAAAAATGAACACACCTTAACCACTT[A>G]CCTTTCCTCCTGTGAGTAAAAGAGCTCCATTCCTAAGTCCTGCAACAAGAGACATCAGCT-3'

ClinVar aggregate classification (germline): Likely pathogenic (1 of 4 stars; one submission).

Conditions:
Zellweger spectrum disorders (ZS). Also called: Zellweger Spectrum Disorder (ZSD); Zellweger syndrome; Zellweger Spectrum Disorder; Zellweger Spectrum. Identifiers: Orphanet 912, MedGen C0043459, MONDO:0019609.

Submission:

Natera, Inc.
Classification: Likely pathogenic for Zellweger syndrome. Last evaluated: 2025-10-08. Review status: criteria provided, single submitter. Criteria: Natera Variant Classification Schema (03/2026). Collection method: clinical testing. Allele origin: germline.
Comment: The c.1803+2T>C variant in PEX1 is a canonical splice donor site variant predicted to affect pre-mRNA splicing, which may result in an abnormal transcript and altered protein product. This variant is expected to result in nonsense mediated decay, truncation, or a dysfunctional protein product. This variant is rare in the general population with a frequency below the threshold expected for the associated phenotype(s). Given the available evidence, this variant is classified as Likely Pathogenic.